The following is an entry in ClinVar:

ClinVar aggregate classification (germline): Likely pathogenic (1 of 4 stars; one submission).

Conditions:
Neurofibromatosis, type 1 (NF1). Also called: NEUROFIBROMATOSIS, TYPE I, SOMATIC; Peripheral type neurofibromatosis; Neurofibromatosis, type I; VON RECKLINGHAUSEN DISEASE. Identifiers: Orphanet 636, MedGen C0027831, MONDO:0018975, OMIM 162200. Disease mechanism: loss of function.

Submission:

Regional Center For Medical Genetics Timis, Louis Turcanu Emergency Hospital for Children Timisoara
Classification: Likely pathogenic for Neurofibromatosis, type 1. Review status: criteria provided, single submitter. Criteria: ACMG Guidelines, 2015. Collection method: clinical testing. Allele origin: unknown. Affected: yes.
Comment: The variant is absent from the presumed healthy population (gnomAD). The variant introduces a premature stop codon into the sequence, leading to loss of function as a consequence of the reading frame shift. Loss-of-function variants in NF1 are well established as pathogenic. To the best of our knowledge, this variant has not been previously reported in the literature in individuals with neurofibromatosis type 1. Therefore, the variant was classified as likely pathogenic.

NM_001042492.3(NF1):c.3741_3742dup (p.Asp1248fs)

Gene: NF1 (neurofibromin 1; plus strand). Cytogenetic location: 17q11.2.
Variant type: Duplication.
Coding change: c.3741_3742dup on transcript NM_001042492.3 (MANE Select); coding-DNA positions 3741 to 3742, 2 bases duplicated (TG; older notation c.3741_3742dupTG).
Protein change: p.Asp1248fs; shifts the reading frame from aspartic acid 1248.
Molecular consequence: frameshift variant.
Genome position (GRCh38, 1-based): chr17:31,235,643-31,235,644, TG duplicated. VCF-style (leftmost placement, unchanged base first): chr17-31235642-T-TTG. GRCh37 (hg19) VCF-style: chr17-29562660-T-TTG.
Other names: c.3741_3742dup, p.Asp1248fs (NM_000267.4); short protein forms D1248fs.
Identifiers: ClinVar variation 4857613 (VCV004857613.1).
Genomic context (GRCh38, chr17:31,235,642, plus strand): 5'-GCACTAACCTGATTTTGTTTTGTTCTCAGGATGAACTAGCTCGAGTTCTGGTTACTCTGT[T>TTG]TGATTCTCGGCATTTACTCTACCAACTGCTCTGGAACATGTTTTCTAAAGAAGTAGAATT-3'